The following is an entry in ClinVar:

ClinVar aggregate classification (germline): Uncertain significance (1 of 4 stars; one submission).

gnomAD v4.1: 7 of 1,578,214 alleles (0.00044%); highest among the groups gnomAD compares: Non-Finnish European, 0.0006%; no homozygotes.

Submission:

CeGaT Center for Human Genetics Tuebingen
Classification: Uncertain significance. Last evaluated: 2025-04-01. Review status: criteria provided, single submitter. Criteria: CeGaT Center For Human Genetics Tuebingen Variant Classification Criteria Version 2. Collection method: clinical testing. Allele origin: germline. Affected: yes. Observed: 1 variant allele.
Comment: LRRC56: PM2, BP4

NM_198075.4(LRRC56):c.191G>T (p.Arg64Leu)

Gene: LRRC56 (leucine rich repeat containing 56; plus strand). Cytogenetic location: 11p15.5.
Variant type: single nucleotide variant.
Coding change: c.191G>T on transcript NM_198075.4 (MANE Select); coding-DNA position 191, G replaced by T.
Protein change: p.Arg64Leu; replaces arginine 64 with leucine.
Molecular consequence: missense variant.
Genome position (GRCh38, 1-based): chr11:541,550, G>T. VCF-style: chr11-541550-G-T. GRCh37 (hg19) VCF-style: chr11-541550-G-T.
Other names: short protein forms R64L.
Identifiers: ClinVar variation 3898391 (VCV003898391.7).
Genomic context (GRCh38, chr11:541,550, plus strand): 5'-AGTGGGGAGAGCCAGGACCAGCGCTGACCCCCGGTTGGTTTCTACAGCAGGCCCTGGCCC[G>T]GGTGGATGACCTTCGGCTGGTGAGGACGCTGGAGATGTGTGTGGACACTCGTGAGGGCAG-3'
Protein context (NP_932341.1, residues 54-74): LSPARLQALA[Arg64Leu]VDDLRLVRTL